The following is an entry in ClinVar:

ClinVar aggregate classification (germline): Benign. Review status: criteria provided, multiple submitters, no conflicts (2 of 4 stars). 10 submissions from 10 submitters: Benign (7). 3 of the submissions do not count toward it. Last evaluated 2026-02-03.

Conditions:
Becker muscular dystrophy (BMD). Also called: MUSCULAR DYSTROPHY, PSEUDOHYPERTROPHIC PROGRESSIVE, BECKER TYPE; Becker Muscular Dystrophy (BMD). Identifiers: Orphanet 98895, MedGen C0917713, MONDO:0010311, OMIM 300376.
Duchenne muscular dystrophy (DMD). Also called: Duchenne Muscular Dystrophy (DMD); MUSCULAR DYSTROPHY, PSEUDOHYPERTROPHIC PROGRESSIVE, DUCHENNE TYPE. Identifiers: Orphanet 98896, MedGen C0013264, MONDO:0010679, OMIM 310200.
Cardiomyopathy (CMYO). Also called: Cardiomyopathies. Identifiers: Orphanet 167848, MedGen C0878544, MONDO:0004994, HP:0001638. Inheritance: Various modes of inheritance.
Dystrophin deficiency.

Allele frequency attached by ClinVar (database versions not stated): gnomAD 0.00621 and 0.00567; gnomAD exomes 0.00633 and 0.00734; ExAC 0.00671; 1000 Genomes Project 30x 0.00083; 1000 Genomes Project 0.00106; TOPMed 0.00558; ESP Exome Variant Server 0.00607.
gnomAD v4.1: 8,620 of 1,194,842 alleles (0.72%); highest among the groups gnomAD compares: Middle Eastern, 0.98%; 38 homozygotes.

Submissions (10):

Labcorp Genetics (formerly Invitae), Labcorp
Classification: Benign for Duchenne muscular dystrophy. Last evaluated: 2026-02-03. Review status: criteria provided, single submitter. Criteria: Invitae Variant Classification Sherloc (09022015). Collection method: clinical testing. Allele origin: germline.

ARUP Laboratories, Molecular Genetics and Genomics, ARUP Laboratories
Classification: Benign. Last evaluated: 2025-04-16. Review status: criteria provided, single submitter. Criteria: ARUP Molecular Germline Variant Investigation Process 2024. Collection method: clinical testing. Allele origin: germline.

Blueprint Genetics
Classification: Benign. Last evaluated: 2024-11-25. Review status: criteria provided, single submitter. Criteria: ACMG Guidelines, 2015. Collection method: clinical testing. Allele origin: germline.

Women's Health and Genetics/Laboratory Corporation of America, LabCorp
Classification: Benign. Last evaluated: 2022-03-17. Review status: criteria provided, single submitter. Criteria: LabCorp Variant Classification Summary - May 2015. Collection method: clinical testing. Allele origin: germline.

Eurofins Ntd Llc (ga)
Classification: Benign. Last evaluated: 2015-08-10. Review status: criteria provided, single submitter. Criteria: EGL Classification Definitions 2015. Collection method: clinical testing. Allele origin: germline. Observed: 6 variant alleles, 3 heterozygotes, 3 hemizygotes.

GeneDx
Classification: Benign. Last evaluated: 2014-03-06. Review status: criteria provided, single submitter. Criteria: GeneDx Variant Classification (06012015). Collection method: clinical testing. Allele origin: germline. Affected: yes.
Comment: This variant is considered likely benign or benign based on one or more of the following criteria: it is a conservative change, it occurs at a poorly conserved position in the protein, it is predicted to be benign by multiple in silico algorithms, and/or has population frequency not consistent with disease.

Breakthrough Genomics
Classification: Benign. Review status: criteria provided, single submitter. Criteria: ACMG Guidelines, 2015. Collection method: not provided. Allele origin: germline. Inheritance: X-linked inheritance. Affected: yes.

Natera, Inc.
Classification: Likely benign for Becker muscular dystrophy; Cardiomyopathy; Duchenne muscular dystrophy; Dystrophin deficiency. Last evaluated: 2019-07-10. Review status: no assertion criteria provided. Collection method: clinical testing. Allele origin: germline. Not counted in ClinVar's aggregate classification.

Diagnostic Laboratory, Department of Genetics, University Medical Center Groningen
Classification: Likely benign. Review status: no assertion criteria provided. Collection method: clinical testing. Allele origin: germline. Affected: yes. Study: VKGL Data-share Consensus. Not counted in ClinVar's aggregate classification.

Laboratory of Diagnostic Genome Analysis, Leiden University Medical Center (LUMC)
Classification: Benign. Review status: no assertion criteria provided. Collection method: clinical testing. Allele origin: germline. Affected: yes. Study: VKGL Data-share Consensus. Not counted in ClinVar's aggregate classification.

NM_004006.3(DMD):c.3787-18T>C

Gene: DMD (dystrophin; minus strand). Cytogenetic location: Xp21.1.
Variant type: single nucleotide variant.
Coding change: c.3787-18T>C on transcript NM_004006.3 (MANE Select); 18 bases into the intron before coding-DNA position 3787, T replaced by C.
Molecular consequence: intron variant.
Genome position (GRCh38, 1-based): chrX:32,441,332, A>G on the plus strand (T>C on the coding strand, the complement: DMD is on the minus strand). VCF-style: chrX-32441332-A-G. GRCh37 (hg19) VCF-style: chrX-32459449-A-G.
Other names: c.3763-18T>C (NM_000109.4); c.3775-18T>C (NM_004009.3); c.3418-18T>C (NM_004010.3).
Identifiers: ClinVar variation 94607 (VCV000094607.29), dbSNP rs72468656, ClinGen allele CA285565.
Genomic context (GRCh38, chrX:32,441,332, plus strand): 5'-TCTCCAAGTATGACAATAACTCATGCCAACATGCCCAAACTTCCTAAGAAAGAAATATAT[A>G]TCACAGATTAAATATTATGGTAGAAAAGTAAATGTGAAATTTTGCCATTTCATTATTAAA-3'